The following is an entry in ClinVar:

NM_000021.4(PSEN1):c.811C>G (p.Leu271Val)

Gene: PSEN1 (presenilin 1; plus strand). Cytogenetic location: 14q24.2.
Variant type: single nucleotide variant.
Coding change: c.811C>G on transcript NM_000021.4 (MANE Select); coding-DNA position 811, C replaced by G.
Protein change: p.Leu271Val; replaces leucine 271 with valine.
Molecular consequence: missense variant.
Genome position (GRCh38, 1-based): chr14:73,198,072, C>G. VCF-style: chr14-73198072-C-G. GRCh37 (hg19) VCF-style: chr14-73664780-C-G.
Other names: c.799C>G, p.Leu267Val (NM_007318.3); short protein forms L271V, L267V.
Identifiers: ClinVar variation 18148 (VCV000018148.8), dbSNP rs63750886, ClinGen allele CA127840.

ClinVar aggregate classification (germline): Pathogenic. Review status: criteria provided, multiple submitters, no conflicts (2 of 4 stars). 6 submissions from 6 submitters: Pathogenic (3). 3 of the submissions do not count toward it. Last evaluated 2022-03-22.

Conditions:
Alzheimer disease 3 (AD3). Also called: ALZHEIMER DISEASE, FAMILIAL, 3. Identifiers: Orphanet 1020, MedGen C1843013, MONDO:0011913, OMIM 607822.
Spastic paraparesis. Identifiers: MedGen C0037771, HP:0002313.
Acne inversa, familial, 3 (ACNINV3). Identifiers: MedGen C3151038, MONDO:0013398, OMIM 613737.
Frontotemporal dementia (FTD1). Also called: FRONTOTEMPORAL DEMENTIA WITH PARKINSONISM; FRONTOTEMPORAL LOBE DEMENTIA; Dementia, frontotemporal, with or without parkinsonism; Frontotemporal Dementia with Parkinsonism-17 (FTDP-17); Frontotemporal lobe dementia (FLDEM); MULTIPLE SYSTEM TAUOPATHY WITH PRESENILE DEMENTIA. Identifiers: Orphanet 282, MedGen C0338451, MONDO:0017276, OMIM 600274, HP:0002145.
Pick disease. Also called: DEMENTIA WITH LOBAR ATROPHY AND NEURONAL CYTOPLASMIC INCLUSIONS; Pick Disease of the Brain; PICK DISEASE OF BRAIN; LOBAR ATROPHY OF BRAIN; Pick's disease. Identifiers: Orphanet 282, MedGen C0236642, MONDO:0008243, OMIM 172700.
PSEN1-related disorder. Also called: PSEN1-related condition.
Alzheimer disease, familial, 3, with unusual plaques. Identifiers: MedGen C4015781.

Submissions (6):

3billion
Classification: Pathogenic for Alzheimer disease 3. Last evaluated: 2022-03-22. Review status: criteria provided, single submitter. Criteria: ACMG Guidelines, 2015. Collection method: clinical testing. Allele origin: germline. Affected: yes. Observed: 1 heterozygote.
Comment: Same nucleotide change resulting in same amino acid change has been previously reported to be associated with PSEN1 related disorder (ClinVar ID: VCV000018148, PMID:12493737). The variant was co-segregated with Alzheimer disease, type 3, with spastic paraparesis and unusual plaques in multiple affected family members (PMID: 12493737). Functional studies provide strong evidence of the variant having a damaging effect on the gene or gene product (PMID: 12493737). In silico tool predictions suggest damaging effect of the variant on gene or gene product (REVEL: 0.94>=0.6, 3CNET: 0.883>=0.75). A missense variant is a common mechanism . It is not observed in the gnomAD v2.1.1 dataset. The variant is located in a mutational hot spot and/or well-established functional domain in which established pathogenic variants have been reported. Therefore, this variant is classified as pathogenic according to the recommendation of ACMG/AMP guideline.

Blueprint Genetics
Classification: Pathogenic for PSEN1-related disorders. Last evaluated: 2019-11-29. Review status: criteria provided, single submitter. Criteria: ACMG Guidelines, 2015. Collection method: clinical testing. Allele origin: germline. Affected: yes. Observed: 1 variant allele.

Labcorp Genetics (formerly Invitae), Labcorp
Classification: Pathogenic for Alzheimer disease, type 3; Pick disease; Acne inversa, familial, 3; Frontotemporal dementia. Last evaluated: 2019-07-03. Review status: criteria provided, single submitter. Criteria: Invitae Variant Classification Sherloc (09022015). Collection method: clinical testing. Allele origin: germline.
Comment: This sequence change replaces leucine with valine at codon 271 of the PSEN1 protein (p.Leu271Val). The leucine residue is highly conserved and there is a small physicochemical difference between leucine and valine. This variant is not present in population databases (ExAC no frequency). This variant has been observed to segregate with Alzheimer's disease in a family (PMID: 12493737). ClinVar contains an entry for this variant (Variation ID: 18148). This variant has been reported to affect PSEN1 protein function (PMID: 12493737, 27930341). For these reasons, this variant has been classified as Pathogenic.

Codex Genetics Limited
Classification: Pathogenic for Alzheimer disease, type 3; Spastic paraparesis. Last evaluated: 2019-02-28. Review status: no assertion criteria provided. Collection method: provider interpretation. Allele origin: germline. Affected: yes. Not counted in ClinVar's aggregate classification.

OMIM
Classification: Pathogenic for ALZHEIMER DISEASE, FAMILIAL, 3, WITH UNUSUAL PLAQUES. Last evaluated: 2003-02-28. Review status: no assertion criteria provided. Collection method: literature only. Allele origin: germline. Not counted in ClinVar's aggregate classification.

VIB  Department of Molecular Genetics, University of Antwerp
No classification provided. Review status: no classification provided. Collection method: not provided. Allele origin: not provided. Not counted in ClinVar's aggregate classification.

Literature cited by the submitters: PubMed 12493737 (cited by 4 submitters); PubMed 27930341 (cited by Labcorp Genetics (formerly Invitae), Labcorp).